The following is an entry in ClinVar:

NM_018451.5(CPAP):c.1222G>A (p.Glu408Lys)

Gene: CPAP (centrosome assembly and centriole elongation protein; minus strand). Cytogenetic location: 13q12.13.
Variant type: single nucleotide variant.
Coding change: c.1222G>A on transcript NM_018451.5 (MANE Select); coding-DNA position 1222, G replaced by A.
Protein change: p.Glu408Lys; replaces glutamic acid 408 with lysine.
Molecular consequence: missense variant. On other transcripts: non-coding transcript variant (2).
Genome position (GRCh38, 1-based): chr13:24,906,816, C>T on the plus strand (G>A on the coding strand, the complement: CPAP is on the minus strand). VCF-style: chr13-24906816-C-T. GRCh37 (hg19) VCF-style: chr13-25480954-C-T.
Other names: c.1222G>A (NM_018451.3); short protein forms E408K.
Identifiers: ClinVar variation 1028112 (VCV001028112.12), dbSNP rs192296063, ClinGen allele CA6919796.

ClinVar aggregate classification (germline): Uncertain significance. Review status: criteria provided, multiple submitters, no conflicts (2 of 4 stars). 5 submissions from 5 submitters: Uncertain significance (5). Last evaluated 2024-02-15.

Conditions:
Inborn genetic diseases. Identifiers: MedGen C0950123, MeSH D030342.
Seckel syndrome 4 (SCKL4). Identifiers: Orphanet 808, MedGen C3888212, MONDO:0013358, OMIM 613676.

Allele frequency attached by ClinVar (database versions not stated): gnomAD exomes 0.00004 and 0.00008; gnomAD 0.00005; TOPMed 0.00008; ExAC 0.00010; 1000 Genomes Project 0.00020; 1000 Genomes Project 30x 0.00031.
gnomAD v4.1: 71 of 1,614,162 alleles (0.0044%); highest among the groups gnomAD compares: Middle Eastern, 0.066%; no homozygotes.

Submissions (5):

Blueprint Genetics
Classification: Uncertain significance. Last evaluated: 2024-02-15. Review status: criteria provided, single submitter. Criteria: ACMG Guidelines, 2015. Collection method: clinical testing. Allele origin: germline.

Labcorp Genetics (formerly Invitae), Labcorp
Classification: Uncertain significance. Last evaluated: 2022-06-13. Review status: criteria provided, single submitter. Criteria: Invitae Variant Classification Sherloc (09022015). Collection method: clinical testing. Allele origin: germline.
Comment: This sequence change replaces glutamic acid, which is acidic and polar, with lysine, which is basic and polar, at codon 408 of the CENPJ protein (p.Glu408Lys). This variant is present in population databases (rs192296063, gnomAD 0.02%). This variant has not been reported in the literature in individuals affected with CENPJ-related conditions. ClinVar contains an entry for this variant (Variation ID: 1028112). Algorithms developed to predict the effect of missense changes on protein structure and function are either unavailable or do not agree on the potential impact of this missense change (SIFT: "Deleterious"; PolyPhen-2: "Possibly Damaging"; Align-GVGD: "Class C0"). In summary, the available evidence is currently insufficient to determine the role of this variant in disease. Therefore, it has been classified as a Variant of Uncertain Significance.

Ambry Genetics
Classification: Uncertain significance for Inborn genetic diseases. Last evaluated: 2021-04-01. Review status: criteria provided, single submitter. Criteria: Ambry Variant Classification Scheme 2023. Collection method: clinical testing. Allele origin: germline.

Baylor Genetics
Classification: Uncertain significance for Seckel syndrome 4. Last evaluated: 2019-07-17. Review status: criteria provided, single submitter. Criteria: ACMG Guidelines, 2015. Collection method: clinical testing. Allele origin: unknown. Affected: yes.
Comment: This variant was determined to be of uncertain significance according to ACMG Guidelines, 2015 [PMID:25741868].

Genetic Services Laboratory, University of Chicago
Classification: Uncertain significance. Last evaluated: 2017-11-13. Review status: criteria provided, single submitter. Criteria: ACMG Guidelines, 2015. Collection method: clinical testing. Allele origin: germline. Affected: no.